The following is an entry in ClinVar:

NC_000006.11:g.(?_33141105)_(33141723_?)dup

Gene: COL11A2 (collagen type XI alpha 2 chain; minus strand). Cytogenetic location: 6p21.32.
Variant type: Duplication.
Identifiers: ClinVar variation 3246243 (VCV003246243.1).

ClinVar aggregate classification (germline): Uncertain significance (1 of 4 stars; one submission).

Submission:

Labcorp Genetics (formerly Invitae), Labcorp
Classification: Uncertain significance. Last evaluated: 2023-10-22. Review status: criteria provided, single submitter. Criteria: Invitae Variant Classification Sherloc (09022015). Collection method: clinical testing. Allele origin: unknown.
Comment: This variant results in a copy number gain of the genomic region encompassing exon(s) 34-37 of the COL11A2 gene. While the exact position of this variant cannot be determined from the data, sub-genic copy number gains are generally in tandem (PMID: 25640679). This variant is predicted to be in-frame, and likely preserves the integrity of the reading frame. This variant has not been reported in the literature in individuals affected with COL11A2-related conditions. Experimental studies and prediction algorithms are not available or were not evaluated, and the functional significance of this variant is currently unknown. In summary, the available evidence is currently insufficient to determine the role of this variant in disease. Therefore, it has been classified as a Variant of Uncertain Significance.

Literature cited by the submitters: PubMed 25640679.